The following is an entry in ClinVar:

ClinVar aggregate classification (germline): Uncertain significance. Review status: criteria provided, multiple submitters, no conflicts (2 of 4 stars). 4 submissions from 4 submitters: Uncertain significance (4). Last evaluated 2025-12-08.

Conditions:
Hereditary cancer-predisposing syndrome. Also called: Hereditary neoplastic syndrome; Tumor predisposition; Hereditary Cancer Syndrome; Neoplastic Syndromes, Hereditary. Identifiers: Orphanet 140162, MedGen C0027672, MeSH D009386, MONDO:0015356.
Familial adenomatous polyposis 1 (FAP1). Also called: FAMILIAL ADENOMATOUS POLYPOSIS 1, ATTENUATED; POLYPOSIS, ADENOMATOUS INTESTINAL. Identifiers: MedGen C2713442, MONDO:0021056, OMIM 175100. Disease mechanism: loss of function.

Submissions (4):

Labcorp Genetics (formerly Invitae), Labcorp
Classification: Uncertain significance for Familial adenomatous polyposis 1. Last evaluated: 2025-12-08. Review status: criteria provided, single submitter. Criteria: Invitae Variant Classification Sherloc (09022015). Collection method: clinical testing. Allele origin: germline.
Comment: This sequence change replaces isoleucine, which is neutral and non-polar, with leucine, which is neutral and non-polar, at codon 1418 of the APC protein (p.Ile1418Leu). This variant is present in population databases (no rsID available, gnomAD 0.003%). This variant has not been reported in the literature in individuals affected with APC-related conditions. ClinVar contains an entry for this variant (Variation ID: 495361). Invitae Evidence Modeling of protein sequence and biophysical properties (such as structural, functional, and spatial information, amino acid conservation, physicochemical variation, residue mobility, and thermodynamic stability) indicates that this missense variant is not expected to disrupt APC protein function with a negative predictive value of 95%. In summary, the available evidence is currently insufficient to determine the role of this variant in disease. Therefore, it has been classified as a Variant of Uncertain Significance.

Ambry Genetics
Classification: Uncertain significance for Hereditary cancer-predisposing syndrome. Last evaluated: 2024-10-18. Review status: criteria provided, single submitter. Criteria: Ambry Variant Classification Scheme 2023. Collection method: clinical testing. Allele origin: germline.
Comment: The p.I1418L variant (also known as c.4252A>T), located in coding exon 15 of the APC gene, results from an A to T substitution at nucleotide position 4252. The isoleucine at codon 1418 is replaced by leucine, an amino acid with highly similar properties. This amino acid position is well conserved in available vertebrate species. In addition, in silico predictors for this gene do not accurately predict pathogenicity. Missense alterations in APC are not a common cause of disease (Spier I et al. Genet Med. 2024 Feb;26(2):100992). Based on the available evidence, the clinical significance of this variant remains unclear.

Baylor Genetics
Classification: Uncertain significance for Familial adenomatous polyposis 1. Last evaluated: 2023-09-14. Review status: criteria provided, single submitter. Criteria: ACMG Guidelines, 2015. Collection method: clinical testing. Allele origin: unknown.

Women's Health and Genetics/Laboratory Corporation of America, LabCorp
Classification: Uncertain significance. Last evaluated: 2016-05-27. Review status: criteria provided, single submitter. Criteria: LabCorp Variant Classification Summary - May 2015. Collection method: clinical testing. Allele origin: germline.
Comment: Variant summary: The APC c.4252A>T (p.Ile1418Leu) variant involves the alteration of a conserved nucleotide. 2/4 in silico tools predict a benign outcome (SNPs&GO not captured due to low reliability index). This variant is absent in 121248 control chromosomes. The variant of interest has not, to our knowledge, been reported in affected individuals via publications and/or reputable databases/clinical diagnostic laboratories; nor evaluated for functional impact by in vivo/vitro studies. Because of the absence of clinical information and the lack of functional studies, the variant was classified as a variant of uncertain significance (VUS) until additional information becomes available.

Literature cited by the submitters: PubMed 28640387 (cited by Ambry Genetics).

NM_000038.6(APC):c.4252A>T (p.Ile1418Leu)

Gene: APC (APC regulator of Wnt signaling pathway; plus strand). Cytogenetic location: 5q22.2.
Variant type: single nucleotide variant.
Coding change: c.4252A>T on transcript NM_000038.6 (MANE Select); coding-DNA position 4252, A replaced by T.
Protein change: p.Ile1418Leu; replaces isoleucine 1418 with leucine.
Molecular consequence: missense variant.
Genome position (GRCh38, 1-based): chr5:112,839,846, A>T. VCF-style: chr5-112839846-A-T. GRCh37 (hg19) VCF-style: chr5-112175543-A-T.
Other names: c.4252A>T, p.Ile1418Leu (NM_001127510.3, NM_001354895.2); c.4198A>T, p.Ile1400Leu (NM_001127511.3); c.4306A>T, p.Ile1436Leu (NM_001354896.2); c.4282A>T, p.Ile1428Leu (NM_001354897.2); c.4177A>T, p.Ile1393Leu (NM_001354898.2); c.4168A>T, p.Ile1390Leu (NM_001354899.2); c.4129A>T, p.Ile1377Leu (NM_001354900.2); c.4075A>T, p.Ile1359Leu (NM_001354901.2); and 5 more; short protein forms I1400L, I1418L, I1258L, I1292L, I1317L, I1327L, I1390L, I1436L.
Identifiers: ClinVar variation 495361 (VCV000495361.16), dbSNP rs777386397, ClinGen allele CA16030646.